The following is an entry in ClinVar:

ClinVar aggregate classification (germline): Uncertain significance. Review status: criteria provided, multiple submitters, no conflicts (2 of 4 stars). 2 submissions from 2 submitters: Uncertain significance (2). Last evaluated 2026-02-19.

Conditions:
Hereditary cancer-predisposing syndrome. Also called: Neoplastic Syndromes, Hereditary; Tumor predisposition; Hereditary Cancer Syndrome; Hereditary neoplastic syndrome. Identifiers: Orphanet 140162, MedGen C0027672, MeSH D009386, MONDO:0015356.
Hereditary nonpolyposis colorectal neoplasms. Identifiers: MedGen C0009405, MeSH D003123.

Submissions (2):

Ambry Genetics
Classification: Uncertain significance for Hereditary cancer-predisposing syndrome. Last evaluated: 2026-02-19. Review status: criteria provided, single submitter. Criteria: Ambry Variant Classification Scheme 2023. Collection method: clinical testing. Allele origin: germline.
Comment: The p.R407T variant (also known as c.1220G>C), located in coding exon 11 of the PMS2 gene, results from a G to C substitution at nucleotide position 1220. The arginine at codon 407 is replaced by threonine, an amino acid with similar properties. This amino acid position is conserved. In addition, this alteration is predicted to be tolerated by in silico analysis. Based on the available evidence, the clinical significance of this variant remains unclear.

Labcorp Genetics (formerly Invitae), Labcorp
Classification: Uncertain significance for Hereditary nonpolyposis colorectal neoplasms. Last evaluated: 2022-03-12. Review status: criteria provided, single submitter. Criteria: Invitae Variant Classification Sherloc (09022015). Collection method: clinical testing. Allele origin: germline.
Comment: In summary, the available evidence is currently insufficient to determine the role of this variant in disease. Therefore, it has been classified as a Variant of Uncertain Significance. Advanced modeling of protein sequence and biophysical properties (such as structural, functional, and spatial information, amino acid conservation, physicochemical variation, residue mobility, and thermodynamic stability) performed at Invitae indicates that this missense variant is not expected to disrupt PMS2 protein function. This variant has not been reported in the literature in individuals affected with PMS2-related conditions. This variant is not present in population databases (gnomAD no frequency). This sequence change replaces arginine, which is basic and polar, with threonine, which is neutral and polar, at codon 407 of the PMS2 protein (p.Arg407Thr).

NM_000535.7(PMS2):c.1220G>C (p.Arg407Thr)

Gene: PMS2 (PMS1 homolog 2, mismatch repair system component; minus strand). Cytogenetic location: 7p22.1.
Variant type: single nucleotide variant.
Coding change: c.1220G>C on transcript NM_000535.7 (MANE Select); coding-DNA position 1220, G replaced by C.
Protein change: p.Arg407Thr; replaces arginine 407 with threonine.
Molecular consequence: missense variant. On other transcripts: non-coding transcript variant (1).
Genome position (GRCh38, 1-based): chr7:5,987,545, C>G on the plus strand (G>C on the coding strand, the complement: PMS2 is on the minus strand). VCF-style: chr7-5987545-C-G. GRCh37 (hg19) VCF-style: chr7-6027176-C-G.
Other names: c.815G>C, p.Arg272Thr (NM_001018040.1, NM_001322003.2, NM_001322004.2 and 17 more transcripts); c.1064G>C, p.Arg355Thr (NM_001322006.2, NM_001406870.1); c.902G>C, p.Arg301Thr (NM_001322007.2, NM_001322008.2, NM_001406876.1 and 2 more transcripts); c.659G>C, p.Arg220Thr (NM_001322010.2, NM_001406906.1, NM_001406907.1); c.287G>C, p.Arg96Thr (NM_001322011.2, NM_001322012.2); c.647G>C, p.Arg216Thr (NM_001322013.2, NM_001406909.1); c.1220G>C, p.Arg407Thr (NM_001322014.2, NM_001406871.1, NM_001406872.1); c.911G>C, p.Arg304Thr (NM_001322015.2, NM_001406875.1, NM_001406877.1 and 5 more transcripts); and 12 more; short protein forms R150T, R220T, R236T, R415T, R341T, R355T, R216T, R295T.
Identifiers: ClinVar variation 2109913 (VCV002109913.5), dbSNP rs766400994, ClinGen allele CA366742542.